The following is an entry in ClinVar:

ClinVar aggregate classification (germline): Uncertain significance (0 of 4 stars; one submission).

Conditions:
MC3R-related disorder. Also called: MC3R-related condition.

Submission:

PreventionGenetics, part of Exact Sciences
Classification: Uncertain significance for MC3R-related condition. Last evaluated: 2024-03-28. Review status: no assertion criteria provided. Collection method: clinical testing. Allele origin: germline.
Comment: The MC3R c.8C>T variant is predicted to result in the amino acid substitution p.Ala3Val. To our knowledge, this variant has not been reported in the literature or in a large population database, indicating this variant is rare. At this time, the clinical significance of this variant is uncertain due to the absence of conclusive functional and genetic evidence.

NM_019888.3(MC3R):c.8C>T (p.Ala3Val)

Gene: MC3R (melanocortin 3 receptor; plus strand). Cytogenetic location: 20q13.2.
Variant type: single nucleotide variant.
Coding change: c.8C>T on transcript NM_019888.3 (MANE Select); coding-DNA position 8, C replaced by T.
Protein change: p.Ala3Val; replaces alanine 3 with valine.
Molecular consequence: missense variant.
Genome position (GRCh38, 1-based): chr20:56,248,851, C>T. VCF-style: chr20-56248851-C-T. GRCh37 (hg19) VCF-style: chr20-54823907-C-T.
Other names: short protein forms A3V.
Identifiers: ClinVar variation 3347536 (VCV003347536.1).